The following is an entry in ClinVar:

ClinVar aggregate classification (germline): Pathogenic. Review status: criteria provided, multiple submitters, no conflicts (2 of 4 stars). 2 submissions from 2 submitters: Pathogenic (2). Last evaluated 2026-06-02.

Conditions:
Inborn genetic diseases. Identifiers: MedGen C0950123, MeSH D030342.
Tumor predisposition syndrome 2 (TPDS2). Also called: MBD4-ASSOCIATED NEOPLASIA SYNDROME; MBD4-Related Tumor Predisposition Syndrome; MBD4-associated neoplasia syndrome (MANS). Identifiers: Orphanet 661526, MedGen C5774186, MONDO:0859267, OMIM 619975.

Submissions (2):

Myriad Genetics, Inc.
Classification: Pathogenic for Tumor predisposition syndrome 2. Last evaluated: 2026-06-02. Review status: criteria provided, single submitter. Criteria: Myriad Autosomal Dominant, Autosomal Recessive and X-Linked Classification Criteria (2023). Collection method: clinical testing. Allele origin: unknown.
Comment: This variant is considered pathogenic. This variant creates a frameshift predicted to result in premature protein truncation.

Ambry Genetics
Classification: Pathogenic for Inborn genetic diseases. Last evaluated: 2025-12-29. Review status: criteria provided, single submitter. Criteria: Ambry Variant Classification Scheme 2023. Collection method: clinical testing. Allele origin: germline.
Comment: The c.1209_1210insAG pathogenic mutation, located in coding exon 4 of the MBD4 gene, results from an insertion of two nucleotides at position 1209, causing a translational frameshift with a predicted alternate stop codon (p.E404Rfs*82). This alteration is expected to result in loss of function by premature protein truncation or nonsense-mediated mRNA decay. As such, this alteration is interpreted as a disease-causing mutation.

NM_001276270.2(MBD4):c.1209_1210insAG (p.Glu404fs)

Gene: MBD4 (methyl-CpG binding domain 4, DNA glycosylase; minus strand). Cytogenetic location: 3q21.3.
Variant type: Insertion.
Coding change: c.1209_1210insAG on transcript NM_001276270.2 (MANE Select); coding-DNA positions 1209 to 1210, AG inserted.
Protein change: p.Glu404fs; shifts the reading frame from glutamic acid 404.
Molecular consequence: frameshift variant.
Genome position: GRCh38 VCF-style: chr3-129434110-C-CCT. GRCh37 (hg19) VCF-style: chr3-129152953-C-CCT.
Other names: c.1227_1228insAG, p.Glu410fs (NM_001276271.2, NM_001276272.2, NM_003925.3); c.273_274insAG, p.Glu92fs (NM_001276273.2); short protein forms E404fs, E410fs, E92fs.
Identifiers: ClinVar variation 4844095 (VCV004844095.2).